The following is an entry in ClinVar:

ClinVar aggregate classification (germline): Uncertain significance. Review status: criteria provided, multiple submitters, no conflicts (2 of 4 stars). 2 submissions from 2 submitters: Uncertain significance (2). Last evaluated 2025-06-23.

Allele frequency attached by ClinVar (database versions not stated): TOPMed below 0.00001; gnomAD 0.00001; gnomAD exomes 0.00001.
gnomAD v4.1: 8 of 1,560,776 alleles (0.00051%); highest among the groups gnomAD compares: Non-Finnish European, 0.00069%; no homozygotes.

Submissions (2):

Ambry Genetics
Classification: Uncertain significance. Last evaluated: 2025-06-23. Review status: criteria provided, single submitter. Criteria: Ambry Variant Classification Scheme 2023. Collection method: clinical testing. Allele origin: germline.

Labcorp Genetics (formerly Invitae), Labcorp
Classification: Uncertain significance. Last evaluated: 2019-08-26. Review status: criteria provided, single submitter. Criteria: Invitae Variant Classification Sherloc (09022015). Collection method: clinical testing. Allele origin: germline.
Comment: This variant is not present in population databases (ExAC no frequency). This sequence change replaces serine with alanine at codon 816 of the RIMS1 protein (p.Ser816Ala). The serine residue is highly conserved and there is a moderate physicochemical difference between serine and alanine. This variant has not been reported in the literature in individuals with RIMS1-related conditions. In summary, the available evidence is currently insufficient to determine the role of this variant in disease. Therefore, it has been classified as a Variant of Uncertain Significance. Algorithms developed to predict the effect of missense changes on protein structure and function are either unavailable or do not agree on the potential impact of this missense change (SIFT: "Deleterious"; PolyPhen-2: "Probably Damaging"; Align-GVGD: "Class C0").

NM_014989.7(RIMS1):c.2446T>G (p.Ser816Ala)

Gene: RIMS1 (regulating synaptic membrane exocytosis 1; plus strand). Cytogenetic location: 6q13.
Variant type: single nucleotide variant.
Coding change: c.2446T>G on transcript NM_014989.7 (MANE Select); coding-DNA position 2446, T replaced by G.
Protein change: p.Ser816Ala; replaces serine 816 with alanine.
Molecular consequence: missense variant.
Genome position (GRCh38, 1-based): chr6:72,250,994, T>G. VCF-style: chr6-72250994-T-G. GRCh37 (hg19) VCF-style: chr6-72960697-T-G.
Other names: c.868T>G, p.Ser290Ala (NM_001168407.2, NM_001168408.2, NM_001350414.2 and 37 more transcripts); c.625T>G, p.Ser209Ala (NM_001168409.2, NM_001350461.2, NM_001350463.2 and 6 more transcripts); c.823T>G, p.Ser275Ala (NM_001168410.2, NM_001350470.2, NM_001350472.2 and 2 more transcripts); c.799T>G, p.Ser267Ala (NM_001350421.2, NM_001350424.2, NM_001350428.2 and 6 more transcripts); c.2446T>G (NM_014989.4); short protein forms S816A, S267A, S209A, S275A, S290A.
Identifiers: ClinVar variation 938222 (VCV000938222.10), dbSNP rs1474776367, ClinGen allele CA364679503.
Genomic context (GRCh38, chr6:72,250,994, plus strand): 5'-AGGAGGACCAAAACAGTAAAGAAAATACTAGAACCAAAATGGAATCAAACTTTTGTCTAT[T>G]CACATGTACATCGTAGAGATTTTAGAGAACGAATGTTAGAAATAACTGTGTGGGACCAAC-3'
Protein context (NP_055804.2, residues 806-826): EPKWNQTFVY[Ser816Ala]HVHRRDFRER